The following is an entry in ClinVar:

NM_000435.3(NOTCH3):c.1261C>T (p.Arg421Cys)

Gene: NOTCH3 (notch receptor 3; minus strand). Cytogenetic location: 19p13.12.
Variant type: single nucleotide variant.
Coding change: c.1261C>T on transcript NM_000435.3 (MANE Select); coding-DNA position 1261, C replaced by T.
Protein change: p.Arg421Cys; replaces arginine 421 with cysteine.
Molecular consequence: missense variant.
Genome position (GRCh38, 1-based): chr19:15,189,106, G>A on the plus strand (C>T on the coding strand, the complement: NOTCH3 is on the minus strand). VCF-style: chr19-15189106-G-A. GRCh37 (hg19) VCF-style: chr19-15299917-G-A.
Other names: short protein forms R421C.
Identifiers: ClinVar variation 447779 (VCV000447779.11), dbSNP rs1555729068, ClinGen allele CA404528164.

ClinVar aggregate classification (germline): Pathogenic/Likely pathogenic. Review status: criteria provided, multiple submitters, no conflicts (2 of 4 stars). 5 submissions from 5 submitters: Pathogenic (4); Likely pathogenic (1). Last evaluated 2025-09-28.

Conditions:
NOTCH3-related disorder. Also called: NOTCH3-related condition; NOTCH3-related disorders.

Allele frequency attached by ClinVar (database versions not stated): gnomAD exomes below 0.00001.
gnomAD v4.1: 2 of 1,613,264 alleles (0.00012%); highest among the groups gnomAD compares: Non-Finnish European, 0.00017%; no homozygotes.

Submissions (5):

Labcorp Genetics (formerly Invitae), Labcorp
Classification: Pathogenic. Last evaluated: 2025-09-28. Review status: criteria provided, single submitter. Criteria: Invitae Variant Classification Sherloc (09022015). Collection method: clinical testing. Allele origin: germline.
Comment: This sequence change replaces arginine, which is basic and polar, with cysteine, which is neutral and slightly polar, at codon 421 of the NOTCH3 protein (p.Arg421Cys). This variant is not present in population databases (gnomAD no frequency). This missense change has been observed in individuals with clinical features of cerebral arteriopathy with subcortical infarcts and leukoencephalopathy 1 (PMID: 16009764; external communication, internal data). ClinVar contains an entry for this variant (Variation ID: 447779). Invitae Evidence Modeling of protein sequence and biophysical properties (such as structural, functional, and spatial information, amino acid conservation, physicochemical variation, residue mobility, and thermodynamic stability) indicates that this missense variant is expected to disrupt NOTCH3 protein function with a positive predictive value of 95%. For these reasons, this variant has been classified as Pathogenic.

PreventionGenetics, part of Exact Sciences
Classification: Pathogenic for NOTCH3-related condition. Last evaluated: 2025-09-23. Review status: criteria provided, single submitter. Criteria: ACMG Guidelines, 2015. Collection method: clinical testing. Allele origin: germline.
Comment: The NOTCH3 c.1261C>T variant is predicted to result in the amino acid substitution p.Arg421Cys. This variant has been reported in multiple individuals with CADASIL (reported as 1339C>T, Opherk et al. 2004. PubMed ID: 15364702; reported as 1339C>T, Peters et al. 2005. PubMed ID: 16009764; reported as c.1339C>T, Chen et al. 2017. PubMed ID: 28710804; Wang et al. 2022. PubMed ID: 35401403; Ni et al. 2022. PubMed ID: 35822697; Wang et al. 2023. PubMed ID: 37164272). This variant has not been reported in a large population database (gnomAD), indicating this variant is rare. This variant is interpreted as pathogenic.

Blueprint Genetics
Classification: Likely pathogenic for NOTCH3-related disorders. Last evaluated: 2024-01-25. Review status: criteria provided, single submitter. Criteria: ACMG Guidelines, 2015. Collection method: clinical testing. Allele origin: germline. Affected: yes. Observed: 1 variant allele.

Institute of Medical Genetics and Applied Genomics, University Hospital Tübingen
Classification: Pathogenic. Last evaluated: 2020-10-23. Review status: criteria provided, single submitter. Criteria: ACMG Guidelines, 2015. Collection method: clinical testing. Allele origin: germline. Inheritance: Unknown mechanism. Affected: yes.

Athena Diagnostics
Classification: Pathogenic. Last evaluated: 2020-03-19. Review status: criteria provided, single submitter. Criteria: Athena Diagnostics Criteria. Collection method: clinical testing. Allele origin: unknown.
Comment: The variant disrupts a cysteine residue in an EGF-like repeat domain, which is important for the structure of this protein. Therefore it is expected to severely affect the function of the protein. Found in at least one patient with expected phenotype for this gene, and not found in general population data.

Literature cited by the submitters: PubMed 16009764 (cited by Labcorp Genetics (formerly Invitae), Labcorp and Athena Diagnostics); PubMed 15364702 (cited by Athena Diagnostics); PubMed 28710804 (cited by Athena Diagnostics).